The following is an entry in ClinVar:

ClinVar aggregate classification (germline): Likely benign (1 of 4 stars; one submission).

Allele frequency attached by ClinVar (database versions not stated): gnomAD 0.00001; gnomAD exomes 0.00001; ExAC 0.00002; TOPMed 0.00002.
gnomAD v4.1: 12 of 1,613,152 alleles (0.00074%); highest among the groups gnomAD compares: East Asian, 0.027%; no homozygotes.

Submission:

CeGaT Center for Human Genetics Tuebingen
Classification: Likely benign. Last evaluated: 2023-03-01. Review status: criteria provided, single submitter. Criteria: CeGaT Center For Human Genetics Tuebingen Variant Classification Criteria Version 2. Collection method: clinical testing. Allele origin: germline. Affected: yes. Observed: 1 variant allele.
Comment: CCDC150: BP4, BP7

NM_001080539.2(CCDC150):c.2844G>A (p.Val948=)

Gene: CCDC150 (coiled-coil domain containing 150; plus strand). Cytogenetic location: 2q33.1.
Variant type: single nucleotide variant.
Coding change: c.2844G>A on transcript NM_001080539.2 (MANE Select); coding-DNA position 2844, G replaced by A.
Protein change: p.Val948=; no amino-acid change (valine 948 retained).
Molecular consequence: synonymous variant.
Genome position (GRCh38, 1-based): chr2:196,729,980, G>A. VCF-style: chr2-196729980-G-A. GRCh37 (hg19) VCF-style: chr2-197594704-G-A.
Other names: c.1785G>A, p.Val595= (NM_001353339.2); c.1110G>A, p.Val370= (NM_001353340.2); c.2667G>A, p.Val889= (NM_001412753.1).
Identifiers: ClinVar variation 2651793 (VCV002651793.24), dbSNP rs777158804, ClinGen allele CA2039622.